The following is an entry in ClinVar:

NM_014918.5(CHSY1):c.1763G>C (p.Arg588Thr)

Gene: CHSY1 (chondroitin sulfate synthase 1; minus strand). Cytogenetic location: 15q26.3.
Variant type: single nucleotide variant.
Coding change: c.1763G>C on transcript NM_014918.5 (MANE Select); coding-DNA position 1763, G replaced by C.
Protein change: p.Arg588Thr; replaces arginine 588 with threonine.
Molecular consequence: missense variant.
Genome position (GRCh38, 1-based): chr15:101,178,034, C>G on the plus strand (G>C on the coding strand, the complement: CHSY1 is on the minus strand). VCF-style: chr15-101178034-C-G. GRCh37 (hg19) VCF-style: chr15-101718239-C-G.
Other names: p.Arg588Thr; short protein forms R588T.
Identifiers: ClinVar variation 1170430 (VCV001170430.12), dbSNP rs62621400, ClinGen allele CA7762464.

ClinVar aggregate classification (germline): Benign. Review status: criteria provided, multiple submitters, no conflicts (2 of 4 stars). 4 submissions from 4 submitters: Benign (4). Last evaluated 2026-02-02.

Conditions:
Temtamy preaxial brachydactyly syndrome (TPBS). Identifiers: Orphanet 363417, MedGen C1854466, MONDO:0011533, OMIM 605282.

Allele frequency attached by ClinVar (database versions not stated): ESP Exome Variant Server 0.04713; TOPMed 0.03866; 1000 Genomes Project 30x 0.04638; gnomAD exomes 0.06195 and 0.06237; gnomAD 0.04196 and 0.04565; 1000 Genomes Project 0.04772; ExAC 0.06371.
gnomAD v4.1: 97,551 of 1,614,148 alleles (6%); highest among the groups gnomAD compares: South Asian, 16%; 3,837 homozygotes.

Submissions (4):

Labcorp Genetics (formerly Invitae), Labcorp
Classification: Benign for Temtamy preaxial brachydactyly syndrome. Last evaluated: 2026-02-02. Review status: criteria provided, single submitter. Criteria: Invitae Variant Classification Sherloc (09022015). Collection method: clinical testing. Allele origin: germline.

Mayo Clinic Laboratories, Mayo Clinic
Classification: Benign. Last evaluated: 2018-11-26. Review status: criteria provided, single submitter. Criteria: ACMG Guidelines, 2015. Collection method: clinical testing. Allele origin: germline. Observed: 5 variant alleles.

GeneDx
Classification: Benign. Last evaluated: 2018-10-29. Review status: criteria provided, single submitter. Criteria: GeneDx Variant Classification Process June 2021. Collection method: clinical testing. Allele origin: germline. Affected: yes.
Comment: This variant is associated with the following publications: (PMID: 24269551, 29178990)

Breakthrough Genomics
Classification: Benign. Review status: criteria provided, single submitter. Criteria: ACMG Guidelines, 2015. Collection method: not provided. Allele origin: germline. Inheritance: Autosomal recessive inheritance. Affected: yes.